The following is an entry in ClinVar:

NM_004655.4(AXIN2):c.1187A>G (p.Gln396Arg)

Gene: AXIN2 (axin 2; minus strand). Cytogenetic location: 17q24.1.
Variant type: single nucleotide variant.
Coding change: c.1187A>G on transcript NM_004655.4 (MANE Select); coding-DNA position 1187, A replaced by G.
Protein change: p.Gln396Arg; replaces glutamine 396 with arginine.
Molecular consequence: missense variant.
Genome position (GRCh38, 1-based): chr17:65,538,216, T>C on the plus strand (A>G on the coding strand, the complement: AXIN2 is on the minus strand). VCF-style: chr17-65538216-T-C. GRCh37 (hg19) VCF-style: chr17-63534334-T-C.
Other names: c.1187A>G, p.Gln396Arg (NM_001363813.1); short protein forms Q396R.
Identifiers: ClinVar variation 3470643 (VCV003470643.1).

ClinVar aggregate classification (germline): Uncertain significance (1 of 4 stars; one submission).

Conditions:
Hereditary cancer-predisposing syndrome. Also called: Tumor predisposition; Neoplastic Syndromes, Hereditary; Hereditary neoplastic syndrome; Hereditary Cancer Syndrome. Identifiers: Orphanet 140162, MedGen C0027672, MeSH D009386, MONDO:0015356.

Submission:

Ambry Genetics
Classification: Uncertain significance for Hereditary cancer-predisposing syndrome. Last evaluated: 2024-10-25. Review status: criteria provided, single submitter. Criteria: Ambry Variant Classification Scheme 2023. Collection method: clinical testing. Allele origin: germline.
Comment: The p.Q396R variant (also known as c.1187A>G), located in coding exon 4 of the AXIN2 gene, results from an A to G substitution at nucleotide position 1187. The glutamine at codon 396 is replaced by arginine, an amino acid with highly similar properties. This amino acid position is conserved. In addition, the in silico prediction for this alteration is inconclusive. Based on the available evidence, the clinical significance of this variant remains unclear.